The following is an entry in ClinVar:

NM_017617.5(NOTCH1):c.2338C>T (p.Arg780Trp)

Gene: NOTCH1 (notch receptor 1; minus strand). Cytogenetic location: 9q34.3.
Variant type: single nucleotide variant.
Coding change: c.2338C>T on transcript NM_017617.5 (MANE Select); coding-DNA position 2338, C replaced by T.
Protein change: p.Arg780Trp; replaces arginine 780 with tryptophan.
Molecular consequence: missense variant.
Genome position (GRCh38, 1-based): chr9:136,513,407, G>A on the plus strand (C>T on the coding strand, the complement: NOTCH1 is on the minus strand). VCF-style: chr9-136513407-G-A. GRCh37 (hg19) VCF-style: chr9-139407859-G-A.
Other names: c.2338C>T, p.Arg780Trp (LRG_1122t1); short protein forms R780W.
Identifiers: ClinVar variation 520085 (VCV000520085.13), dbSNP rs756642176, ClinGen allele CA5341412.

ClinVar aggregate classification (germline): Conflicting classifications of pathogenicity. Review status: criteria provided, conflicting classifications (1 of 4 stars). 4 submissions from 4 submitters: Uncertain significance (2); Benign (1); Likely benign (1). Last evaluated 2025-09-14.

Conditions:
Adams-Oliver syndrome 5 (AOS5). Identifiers: Orphanet 974, MedGen C4014970, MONDO:0014459, OMIM 616028.
Familial thoracic aortic aneurysm and aortic dissection (TAAD). Also called: Thoracic aortic aneurysms and dissections. Identifiers: Orphanet 91387, MedGen C4707243, MONDO:0019625.

Allele frequency attached by ClinVar (database versions not stated): TOPMed 0.00001; ExAC 0.00004.
gnomAD v4.1: 22 of 1,612,874 alleles (0.0014%); highest among the groups gnomAD compares: Middle Eastern, 0.017%; no homozygotes.

Submissions (4):

Labcorp Genetics (formerly Invitae), Labcorp
Classification: Benign for Adams-Oliver syndrome 5. Last evaluated: 2025-09-14. Review status: criteria provided, single submitter. Criteria: Invitae Variant Classification Sherloc (09022015). Collection method: clinical testing. Allele origin: germline.

Ambry Genetics
Classification: Uncertain significance for Familial thoracic aortic aneurysm and aortic dissection. Last evaluated: 2024-10-08. Review status: criteria provided, single submitter. Criteria: Ambry Variant Classification Scheme 2023. Collection method: clinical testing. Allele origin: germline.
Comment: The p.R780W variant (also known as c.2338C>T), located in coding exon 14 of the NOTCH1 gene, results from a C to T substitution at nucleotide position 2338. The arginine at codon 780 is replaced by tryptophan, an amino acid with dissimilar properties. This amino acid position is well conserved in available vertebrate species. In addition, the in silico prediction for this alteration is inconclusive. Since supporting evidence is limited at this time, the clinical significance of this alteration remains unclear.

Blueprint Genetics
Classification: Likely benign. Last evaluated: 2024-08-16. Review status: criteria provided, single submitter. Criteria: ACMG Guidelines, 2015. Collection method: clinical testing. Allele origin: germline.

GeneDx
Classification: Uncertain significance. Last evaluated: 2024-05-01. Review status: criteria provided, single submitter. Criteria: GeneDx Variant Classification Process June 2021. Collection method: clinical testing. Allele origin: germline. Affected: yes.
Comment: In silico analysis supports that this missense variant has a deleterious effect on protein structure/function; Has not been previously published as pathogenic or benign to our knowledge